The following is an entry in ClinVar:

ClinVar aggregate classification (germline): Benign. Review status: criteria provided, single submitter (1 of 4 stars). 2 submissions from 2 submitters: Benign (1). 1 of the submissions does not count toward it. Last evaluated 2025-11-25.

Conditions:
DOCK6-related disorder. Also called: DOCK6-related condition.

Allele frequency attached by ClinVar (database versions not stated): gnomAD 0.00006 and 0.00009; 1000 Genomes Project 30x 0.00016; TOPMed 0.00016; 1000 Genomes Project 0.00020; ExAC 0.00023; gnomAD exomes 0.00023.
gnomAD v4.1: 168 of 1,613,196 alleles (0.01%); highest among the groups gnomAD compares: East Asian, 0.25%; 1 homozygote.

Submissions (2):

Labcorp Genetics (formerly Invitae), Labcorp
Classification: Benign. Last evaluated: 2025-11-25. Review status: criteria provided, single submitter. Criteria: Invitae Variant Classification Sherloc (09022015). Collection method: clinical testing. Allele origin: germline.

PreventionGenetics, part of Exact Sciences
Classification: Likely benign for DOCK6-related condition. Last evaluated: 2019-04-01. Review status: no assertion criteria provided. Collection method: clinical testing. Allele origin: germline. Not counted in ClinVar's aggregate classification.
Comment: This variant is classified as likely benign based on ACMG/AMP sequence variant interpretation guidelines (Richards et al. 2015 PMID: 25741868, with internal and published modifications).

NM_020812.4(DOCK6):c.4446C>T (p.Ser1482=)

Genes: DOCK6 (dedicator of cytokinesis 6; minus strand), DOCK6-AS1 (DOCK6 antisense RNA 1; plus strand). Cytogenetic location: 19p13.2.
Variant type: single nucleotide variant.
Coding change: c.4446C>T on transcript NM_020812.4 (MANE Select); coding-DNA position 4446, C replaced by T.
Protein change: p.Ser1482=; no amino-acid change (serine 1482 retained).
Molecular consequence: synonymous variant.
Genome position (GRCh38, 1-based): chr19:11,213,221, G>A on the plus strand (C>T on the coding strand, the complement: DOCK6 is on the minus strand). VCF-style: chr19-11213221-G-A. GRCh37 (hg19) VCF-style: chr19-11323897-G-A.
Other names: c.4551C>T, p.Ser1517= (NM_001367830.1); c.4446C>T (NM_020812.3).
Identifiers: ClinVar variation 1601484 (VCV001601484.12), dbSNP rs529459880, ClinGen allele CA9206855.